The following is an entry in ClinVar:

NM_000077.5(CDKN2A):c.15G>T (p.Ala5=)

Gene: CDKN2A (cyclin dependent kinase inhibitor 2A; minus strand). Cytogenetic location: 9p21.3.
Variant type: single nucleotide variant.
Coding change: c.15G>T on transcript NM_000077.5; coding-DNA position 15, G replaced by T.
Protein change: p.Ala5=; no amino-acid change (alanine 5 retained).
Molecular consequence: synonymous variant (on NM_000077.6). On other transcripts: intron variant (2).
Genome position (GRCh38, 1-based): chr9:21,974,813, C>A on the plus strand (G>T on the coding strand, the complement: CDKN2A is on the minus strand). VCF-style: chr9-21974813-C-A. GRCh37 (hg19) VCF-style: chr9-21974812-C-A.
Other names: c.15G>T, p.Ala5= (NM_000077.6, NM_001195132.2, NM_058197.5); c.-3-3605G>T (NM_001363763.2); c.194-3605G>T (NM_058195.4).
Identifiers: ClinVar variation 229890 (VCV000229890.17), dbSNP rs768278082, ClinGen allele CA5012339.

ClinVar aggregate classification (germline): Benign/Likely benign. Review status: criteria provided, multiple submitters, no conflicts (2 of 4 stars). 4 submissions from 4 submitters: Benign (1); Likely benign (3). Last evaluated 2025-08-13.

Conditions:
Hereditary cancer-predisposing syndrome. Also called: Neoplastic Syndromes, Hereditary; Hereditary Cancer Syndrome; Tumor predisposition; Hereditary neoplastic syndrome. Identifiers: Orphanet 140162, MedGen C0027672, MeSH D009386, MONDO:0015356.
Melanoma-pancreatic cancer syndrome. Identifiers: Orphanet 404560, MedGen C1838547, MONDO:0011713, OMIM 606719. Disease mechanism: loss of function.
Familial melanoma. Also called: Hereditary melanoma; Hereditary cutaneous melanoma. Identifiers: Orphanet 618, MedGen C1512419, MONDO:0018961.

gnomAD v4.1: 3 of 1,601,212 alleles (0.00019%); highest among the groups gnomAD compares: Non-Finnish European, 0.00025%; no homozygotes.

Submissions (4):

Myriad Genetics, Inc.
Classification: Benign for Melanoma-pancreatic cancer syndrome. Last evaluated: 2025-08-13. Review status: criteria provided, single submitter. Criteria: Myriad Autosomal Dominant, Autosomal Recessive and X-Linked Classification Criteria (2023). Collection method: clinical testing. Allele origin: unknown.
Comment: This variant is considered benign. This variant is a silent/synonymous amino acid change and it is not expected to impact splicing.

Labcorp Genetics (formerly Invitae), Labcorp
Classification: Likely benign for Familial melanoma. Last evaluated: 2025-08-11. Review status: criteria provided, single submitter. Criteria: Invitae Variant Classification Sherloc (09022015). Collection method: clinical testing. Allele origin: germline.

Color Diagnostics, LLC DBA Color Health
Classification: Likely benign for Hereditary cancer-predisposing syndrome. Last evaluated: 2018-03-09. Review status: criteria provided, single submitter. Criteria: ACMG Guidelines, 2015. Collection method: clinical testing. Allele origin: germline.

Ambry Genetics
Classification: Likely benign for Hereditary cancer-predisposing syndrome. Last evaluated: 2014-12-29. Review status: criteria provided, single submitter. Criteria: Ambry Variant Classification Scheme 2023. Collection method: clinical testing. Allele origin: germline.